The following is an entry in ClinVar:

ClinVar aggregate classification (germline): Pathogenic (1 of 4 stars; one submission).

Submission:

Labcorp Genetics (formerly Invitae), Labcorp
Classification: Pathogenic. Last evaluated: 2026-01-13. Review status: criteria provided, single submitter. Criteria: Invitae Variant Classification Sherloc (09022015). Collection method: clinical testing. Allele origin: germline.
Comment: This sequence change creates a premature translational stop signal (p.Gln83Serfs*42) in the LAMC3 gene. It is expected to result in an absent or disrupted protein product. Loss-of-function variants in LAMC3 are known to be pathogenic (PMID: 21572413, 26802095). The frequency data for this variant in the population databases is considered unreliable, as metrics indicate poor data quality at this position in the gnomAD database. This variant has not been reported in the literature in individuals affected with LAMC3-related conditions. ClinVar contains an entry for this variant (Variation ID: 2788210). For these reasons, this variant has been classified as Pathogenic.

Literature cited by the submitters: PubMed 21572413; PubMed 26802095.

NM_006059.4(LAMC3):c.247del (p.Gln83fs)

Gene: LAMC3 (laminin subunit gamma 3; plus strand). Cytogenetic location: 9q34.12.
Variant type: Deletion.
Coding change: c.247del on transcript NM_006059.4 (MANE Select); coding-DNA position 247, one base deleted (C; older notation c.247delC).
Protein change: p.Gln83fs; shifts the reading frame from glutamine 83.
Molecular consequence: frameshift variant.
Genome position (GRCh38, 1-based): chr9:131,009,461, C deleted; the last of 5 consecutive C bases (chr9:131,009,457-131,009,461); deleting any one gives the same sequence. VCF-style (leftmost placement, unchanged base first): chr9-131009456-AC-A. GRCh37 (hg19) VCF-style: chr9-133884843-AC-A.
Other names: short protein forms Q83fs.
Identifiers: ClinVar variation 2788210 (VCV002788210.3), dbSNP rs1441983264, ClinGen allele CA590945707.